The following is an entry in ClinVar:

ClinVar aggregate classification (germline): Uncertain significance. Review status: criteria provided, multiple submitters, no conflicts (2 of 4 stars). 2 submissions from 2 submitters: Uncertain significance (2). Last evaluated 2025-07-17.

Conditions:
Inborn genetic diseases. Identifiers: MedGen C0950123, MeSH D030342.

Allele frequency attached by ClinVar (database versions not stated): TOPMed 0.00042; gnomAD 0.00044.
gnomAD v4.1: 106 of 1,613,718 alleles (0.0066%); highest among the groups gnomAD compares: Admixed American, 0.17%; 1 homozygote.

Submissions (2):

Labcorp Genetics (formerly Invitae), Labcorp
Classification: Uncertain significance. Last evaluated: 2025-07-17. Review status: criteria provided, single submitter. Criteria: Invitae Variant Classification Sherloc (09022015). Collection method: clinical testing. Allele origin: germline.
Comment: This sequence change replaces arginine, which is basic and polar, with glycine, which is neutral and non-polar, at codon 1082 of the NRIP1 protein (p.Arg1082Gly). This variant is present in population databases (no rsID available, gnomAD 0.08%), and has an allele count higher than expected for a pathogenic variant. This variant has not been reported in the literature in individuals affected with NRIP1-related conditions. ClinVar contains an entry for this variant (Variation ID: 2159986). An algorithm developed to predict the effect of missense changes on protein structure and function (PolyPhen-2) suggests that this variant is likely to be tolerated. In summary, the available evidence is currently insufficient to determine the role of this variant in disease. Therefore, it has been classified as a Variant of Uncertain Significance.

Ambry Genetics
Classification: Uncertain significance for Inborn genetic diseases. Last evaluated: 2025-02-08. Review status: criteria provided, single submitter. Criteria: Ambry Variant Classification Scheme 2023. Collection method: clinical testing. Allele origin: germline.

NM_003489.4(NRIP1):c.3244C>G (p.Arg1082Gly)

Gene: NRIP1 (nuclear receptor interacting protein 1; minus strand). Cytogenetic location: 21q11.2.
Variant type: single nucleotide variant.
Coding change: c.3244C>G on transcript NM_003489.4 (MANE Select); coding-DNA position 3244, C replaced by G.
Protein change: p.Arg1082Gly; replaces arginine 1082 with glycine.
Molecular consequence: missense variant.
Genome position (GRCh38, 1-based): chr21:14,964,949, G>C on the plus strand (C>G on the coding strand, the complement: NRIP1 is on the minus strand). VCF-style: chr21-14964949-G-C. GRCh37 (hg19) VCF-style: chr21-16337270-G-C.
Other names: c.3244C>G (NM_003489.3); short protein forms R1082G.
Identifiers: ClinVar variation 2159986 (VCV002159986.7), dbSNP rs1329599593, ClinGen allele CA409826104.
Genomic context (GRCh38, chr21:14,964,949, plus strand): 5'-CCTGTGAGACACTTTCAGCAGATGAAGCCTCCCTCCAAATGTCCTTGTCTTGTGTTTCTC[G>C]ACTGGTAACAGAATTGCCTCCTTTTTGAAGCATGTAATATAGTATTGGGTTGGTTTTGGT-3'
Protein context (NP_003480.2, residues 1072-1092): LQKGGNSVTS[Arg1082Gly]ETQDKDIWRE